The following is an entry in ClinVar:

ClinVar aggregate classification (germline): Likely pathogenic (1 of 4 stars; one submission).

Conditions:
Familial renal glucosuria (GLYS). Also called: RENAL GLUCOSURIA, AUTOSOMAL DOMINANT; Familial renal glycosuria. Identifiers: Orphanet 69076, MedGen C3245525, MONDO:0009297, OMIM 233100.

Submission:

Variantyx, Inc.
Classification: Likely pathogenic for Familial renal glucosuria. Last evaluated: 2025-05-08. Review status: criteria provided, single submitter. Criteria: Variantyx Assertion Criteria 2022. Collection method: clinical testing. Allele origin: germline. Inheritance: Semidominant inheritance. Affected: no.
Comment: This is a nonsense variant in the SLC5A2 gene (OMIM: 182381). Pathogenic variants in this gene have been associated with autosomal semidominant renal glucosuria. This variant introduces a premature termination codon in exon 7 out of 14 and is expected to result in loss of function, which is a known disease mechanism for SLC5A2 in this disorder (PMID: 12436245, 21165652) (PVS1). This variant is absent from control populations (PM2) amd it has not been reported in individuals with SLC5A2-related disorders in the databases available for review. Based on the current evidence, this variant is classified as likely pathogenic for autosomal semidominant renal glucosuria.

Literature cited by the submitters: PubMed 12436245; PubMed 21165652.

NM_003041.4(SLC5A2):c.716C>A (p.Ser239Ter)

Gene: SLC5A2 (solute carrier family 5 member 2; plus strand). Cytogenetic location: 16p11.2.
Variant type: single nucleotide variant.
Coding change: c.716C>A on transcript NM_003041.4 (MANE Select); coding-DNA position 716, C replaced by A.
Protein change: p.Ser239Ter; replaces serine 239 with a stop codon.
Molecular consequence: nonsense. On other transcripts: non-coding transcript variant (1).
Genome position (GRCh38, 1-based): chr16:31,487,590, C>A. VCF-style: chr16-31487590-C-A. GRCh37 (hg19) VCF-style: chr16-31498911-C-A.
Other names: short protein forms S239*.
Identifiers: ClinVar variation 4850044 (VCV004850044.1).